The following is an entry in ClinVar:

ClinVar aggregate classification (germline): Uncertain significance (0 of 4 stars; one submission).

Conditions:
PLXNA1-related disorder. Also called: PLXNA1-related condition.

Allele frequency attached by ClinVar (database versions not stated): gnomAD 0.00001; gnomAD exomes 0.00001.
gnomAD v4.1: 5 of 1,606,210 alleles (0.00031%); highest among the groups gnomAD compares: Admixed American, 0.0083%; no homozygotes.

Submission:

PreventionGenetics, part of Exact Sciences
Classification: Uncertain significance for PLXNA1-related condition. Last evaluated: 2024-01-19. Review status: no assertion criteria provided. Collection method: clinical testing. Allele origin: germline.
Comment: The PLXNA1 c.4295+3G>T variant is predicted to interfere with splicing. To our knowledge, this variant has not been reported in the literature. This variant is reported in 0.0087% of alleles in individuals of Latino descent in gnomAD. At this time, the clinical significance of this variant is uncertain due to the absence of conclusive functional and genetic evidence.

NM_032242.4(PLXNA1):c.4295+3G>T

Gene: PLXNA1 (plexin A1; plus strand). Cytogenetic location: 3q21.3.
Variant type: single nucleotide variant.
Coding change: c.4295+3G>T on transcript NM_032242.4 (MANE Select); 3 bases into the intron after coding-DNA position 4295, G replaced by T.
Molecular consequence: intron variant.
Genome position (GRCh38, 1-based): chr3:127,022,344, G>T. VCF-style: chr3-127022344-G-T. GRCh37 (hg19) VCF-style: chr3-126741187-G-T.
Identifiers: ClinVar variation 2634975 (VCV002634975.3), dbSNP rs1169126763, ClinGen allele CA546414621.